The following is an entry in ClinVar:

ClinVar aggregate classification (germline): Uncertain significance. Review status: criteria provided, multiple submitters, no conflicts (2 of 4 stars). 2 submissions from 2 submitters: Uncertain significance (2). Last evaluated 2025-07-07.

Conditions:
Cryopyrin associated periodic syndrome (CAPS). Identifiers: Orphanet 208650, MedGen C2316212, MONDO:0016168.

Allele frequency attached by ClinVar (database versions not stated): gnomAD exomes below 0.00001; ExAC 0.00001; gnomAD 0.00001; TOPMed 0.00002.
gnomAD v4.1: 3 of 1,611,188 alleles (0.00019%); highest among the groups gnomAD compares: Admixed American, 0.0017%; no homozygotes.

Submissions (2):

Labcorp Genetics (formerly Invitae), Labcorp
Classification: Uncertain significance for Cryopyrin associated periodic syndrome. Last evaluated: 2025-07-07. Review status: criteria provided, single submitter. Criteria: Invitae Variant Classification Sherloc (09022015). Collection method: clinical testing. Allele origin: germline.
Comment: This sequence change replaces tyrosine, which is neutral and polar, with serine, which is neutral and polar, at codon 1012 of the NLRP3 protein (p.Tyr1012Ser). This variant is present in population databases (rs749607337, gnomAD 0.003%). This variant has not been reported in the literature in individuals affected with NLRP3-related conditions. ClinVar contains an entry for this variant (Variation ID: 2911889). Invitae Evidence Modeling of protein sequence and biophysical properties (such as structural, functional, and spatial information, amino acid conservation, physicochemical variation, residue mobility, and thermodynamic stability) indicates that this missense variant is not expected to disrupt NLRP3 protein function with a negative predictive value of 95%. In summary, the available evidence is currently insufficient to determine the role of this variant in disease. Therefore, it has been classified as a Variant of Uncertain Significance.

GeneDx
Classification: Uncertain significance. Last evaluated: 2025-03-03. Review status: criteria provided, single submitter. Criteria: GeneDx Variant Classification Process June 2021. Collection method: clinical testing. Allele origin: germline. Affected: yes.
Comment: In silico analysis indicates that this missense variant does not alter protein structure/function; Has not been previously published as pathogenic or benign to our knowledge; Also known as Y1010S

NM_001243133.2(NLRP3):c.3029A>C (p.Tyr1010Ser)

Gene: NLRP3 (NLR family pyrin domain containing 3; plus strand). Cytogenetic location: 1q44.
Variant type: single nucleotide variant.
Coding change: c.3029A>C on transcript NM_001243133.2 (MANE Select); coding-DNA position 3029, A replaced by C.
Protein change: p.Tyr1010Ser; replaces tyrosine 1010 with serine.
Molecular consequence: missense variant.
Genome position (GRCh38, 1-based): chr1:247,448,428, A>C. VCF-style: chr1-247448428-A-C. GRCh37 (hg19) VCF-style: chr1-247611730-A-C.
Other names: c.3029A>C, p.Tyr1010Ser (NM_001079821.3); c.2858A>C, p.Tyr953Ser (NM_001127461.3, NM_001127462.3); c.3035A>C, p.Tyr1012Ser (NM_004895.5); c.2687A>C, p.Tyr896Ser (NM_183395.3); short protein forms Y1012S, Y896S, Y1010S, Y953S.
Identifiers: ClinVar variation 2911889 (VCV002911889.4), dbSNP rs749607337, ClinGen allele CA1495432.